The following is an entry in ClinVar:

NM_006231.4(POLE):c.1333_1347dup (p.Thr449_Glu450insCysArgMetAlaThr)

Gene: POLE (DNA polymerase epsilon, catalytic subunit; minus strand). Cytogenetic location: 12q24.33.
Variant type: Duplication.
Coding change: c.1333_1347dup on transcript NM_006231.4 (MANE Select); coding-DNA positions 1333 to 1347, 15 bases duplicated (TGCCGGATGGCCACG).
Protein change: p.Thr449_Glu450insCysArgMetAlaThr.
Molecular consequence: inframe insertion.
Genome position (GRCh38, 1-based): chr12:132,673,587-132,673,601, CGTGGCCATCCGGCA duplicated on the plus strand (TGCCGGATGGCCACG on the coding strand, the reverse complement: POLE is on the minus strand); duplicating any 15 consecutive bases within chr12:132,673,587-132,673,602 gives the same sequence; the c. name uses the placement nearest the transcript's 3' end. VCF-style (leftmost placement, unchanged base first): chr12-132673586-C-CCGTGGCCATCCGGCA. GRCh37 (hg19) VCF-style: chr12-133250172-C-CCGTGGCCATCCGGCA.
Identifiers: ClinVar variation 4862330 (VCV004862330.1).

ClinVar aggregate classification (germline): Uncertain significance (1 of 4 stars; one submission).

Conditions:
Hereditary cancer-predisposing syndrome. Also called: Neoplastic Syndromes, Hereditary; Tumor predisposition; Hereditary Cancer Syndrome; Hereditary neoplastic syndrome. Identifiers: Orphanet 140162, MedGen C0027672, MeSH D009386, MONDO:0015356.

Submission:

Ambry Genetics
Classification: Uncertain significance for Hereditary cancer-predisposing syndrome. Last evaluated: 2026-05-29. Review status: criteria provided, single submitter. Criteria: Ambry Variant Classification Scheme 2023. Collection method: clinical testing. Allele origin: germline.
Comment: The c.1333_1347dup15 variant (also known as p.C445_T449dup), located in coding exon 13 of the POLE gene, results from an in-frame duplication of 15 nucleotides at nucleotide positions 1333 to 1347. This results in the duplication of 5 extra residues (CRMAT) between codons 445 and 449. These amino acid positions are well conserved in available vertebrate species. In addition, this variant is predicted to be deleterious by in silico analysis (Choi Y et al. PLoS ONE. 2012; 7(10):e46688). Based on the available evidence, the clinical significance of this variant remains unclear.